The following is an entry in ClinVar:

ClinVar aggregate classification (germline): Uncertain significance. Review status: criteria provided, multiple submitters, no conflicts (2 of 4 stars). 2 submissions from 2 submitters: Uncertain significance (2). Last evaluated 2024-05-04.

Conditions:
Familial thoracic aortic aneurysm and aortic dissection (TAAD). Also called: Thoracic aortic aneurysms and dissections. Identifiers: Orphanet 91387, MedGen C4707243, MONDO:0019625.

Allele frequency attached by ClinVar (database versions not stated): gnomAD exomes 0.00001.
gnomAD v4.1: 17 of 1,614,124 alleles (0.0011%); highest among the groups gnomAD compares: Non-Finnish European, 0.0014%; no homozygotes.

Submissions (2):

Color Diagnostics, LLC DBA Color Health
Classification: Uncertain significance for Familial thoracic aortic aneurysm and aortic dissection. Last evaluated: 2024-05-04. Review status: criteria provided, single submitter. Criteria: ACMG Guidelines, 2015. Collection method: clinical testing. Allele origin: germline.
Comment: This missense variant replaces leucine with valine at codon 1004 of the MYH11 protein. Computational prediction suggests that this variant may not impact protein structure and function (internally defined REVEL score threshold <= 0.5, PMID: 27666373). To our knowledge, functional studies have not been reported for this variant. This variant has not been reported in individuals affected with MYH11-related disorders in the literature. This variant has not been identified in the general population by the Genome Aggregation Database (gnomAD). The available evidence is insufficient to determine the role of this variant in disease conclusively. Therefore, this variant is classified as a Variant of Uncertain Significance.

CHEO Genetics Diagnostic Laboratory, Children's Hospital of Eastern Ontario
Classification: Uncertain significance for Familial thoracic aortic aneurysm and aortic dissection. Last evaluated: 2020-08-20. Review status: criteria provided, single submitter. Criteria: ACMG Guidelines, 2015. Collection method: clinical testing. Allele origin: germline.

NM_002474.3(MYH11):c.2989C>G (p.Leu997Val)

Gene: MYH11 (myosin heavy chain 11; minus strand). Cytogenetic location: 16p13.11.
Variant type: single nucleotide variant.
Coding change: c.2989C>G on transcript NM_002474.3 (MANE Select); coding-DNA position 2989, C replaced by G.
Protein change: p.Leu997Val; replaces leucine 997 with valine.
Molecular consequence: missense variant.
Genome position (GRCh38, 1-based): chr16:15,740,059, G>C on the plus strand (C>G on the coding strand, the complement: MYH11 is on the minus strand). VCF-style: chr16-15740059-G-C. GRCh37 (hg19) VCF-style: chr16-15833916-G-C.
Other names: c.3010C>G, p.Leu1004Val (NM_001040113.2, NM_001040114.2); c.2989C>G, p.Leu997Val (NM_022844.3); short protein forms L1004V, L997V.
Identifiers: ClinVar variation 915827 (VCV000915827.4), dbSNP rs2041228951, ClinGen allele CA394864584.